The following is an entry in ClinVar:

NM_032737.4(LMNB2):c.1624C>A (p.Pro542Thr)

Gene: LMNB2 (lamin B2; minus strand). Cytogenetic location: 19p13.3.
Variant type: single nucleotide variant.
Coding change: c.1624C>A on transcript NM_032737.4 (MANE Select); coding-DNA position 1624, C replaced by A.
Protein change: p.Pro542Thr; replaces proline 542 with threonine.
Molecular consequence: missense variant.
Genome position (GRCh38, 1-based): chr19:2,431,869, G>T on the plus strand (C>A on the coding strand, the complement: LMNB2 is on the minus strand). VCF-style: chr19-2431869-G-T. GRCh37 (hg19) VCF-style: chr19-2431867-G-T.
Other names: short protein forms P542T.
Identifiers: ClinVar variation 1502401 (VCV001502401.8), dbSNP rs759878071, ClinGen allele CA403249509.

ClinVar aggregate classification (germline): Uncertain significance (1 of 4 stars; one submission).

Conditions:
Progressive myoclonic epilepsy type 9. Identifiers: Orphanet 457265, MedGen C4225289, MONDO:0014685, OMIM 616540.
Lipodystrophy, partial, acquired, susceptibility to (APLD). Also called: APLD, SUSCEPTIBILITY TO. Identifiers: MedGen C3887501, MONDO:0100476, OMIM 608709.

gnomAD v4.1: 1 of 1,613,014 alleles (0.000062%); highest among the groups gnomAD compares: Non-Finnish European, 0.000085%; no homozygotes.

Submission:

Labcorp Genetics (formerly Invitae), Labcorp
Classification: Uncertain significance for Progressive myoclonic epilepsy type 9; Lipodystrophy, partial, acquired, susceptibility to. Last evaluated: 2025-10-22. Review status: criteria provided, single submitter. Criteria: Invitae Variant Classification Sherloc (09022015). Collection method: clinical testing. Allele origin: germline.
Comment: This sequence change replaces proline, which is neutral and non-polar, with threonine, which is neutral and polar, at codon 542 of the LMNB2 protein (p.Pro542Thr). This variant is not present in population databases (gnomAD no frequency). This variant has not been reported in the literature in individuals affected with LMNB2-related conditions. ClinVar contains an entry for this variant (Variation ID: 1502401). Invitae Evidence Modeling of protein sequence and biophysical properties (such as structural, functional, and spatial information, amino acid conservation, physicochemical variation, residue mobility, and thermodynamic stability) indicates that this missense variant is expected to disrupt LMNB2 protein function with a positive predictive value of 80%. In summary, the available evidence is currently insufficient to determine the role of this variant in disease. Therefore, it has been classified as a Variant of Uncertain Significance.